The following is an entry in ClinVar:

ClinVar aggregate classification (germline): Uncertain significance (1 of 4 stars; one submission).

Submission:

Women's Health and Genetics/Laboratory Corporation of America, LabCorp
Classification: Uncertain significance. Last evaluated: 2022-04-14. Review status: criteria provided, single submitter. Criteria: LabCorp Variant Classification Summary - May 2015. Collection method: clinical testing. Allele origin: germline.
Comment: Variant summary: The variant identified by MLPA or other technology involves the duplication of exons 2-14 in the GALNS gene. A presumed nomenclature of c.(120+1_121-1)_(*706_?)dup has been designated for the purposes of this classification. It has been assumed that this is a tandem duplication in direct orientation (Richardson_GIM_2018, Newman_AJHG_2015). The variant was absent in 21692 control chromosomes (gnomAD, Structural Variants dataset). The available data on variant occurrences in the general population are insufficient to allow any conclusion about variant significance. To our knowledge, no occurrence of c.(120+1_121-1)_(*706_?)dup in individuals affected with Mucopolysaccharidosis Type IVA (Morquio Syndrome A) and no experimental evidence demonstrating its impact on protein function have been reported. A ClinVar submitter (evaluation after 2014) cites the variant as uncertain significance. Based on the evidence outlined above, the variant was classified as uncertain significance.

NC_000016.9:g.(?_88880141)_(88909238_88923165)dup

Gene: GALNS (galactosamine (N-acetyl)-6-sulfatase; minus strand). Cytogenetic location: 16q24.3.
Variant type: Duplication.
Identifiers: ClinVar variation 1683258 (VCV001683258.1).